The following is an entry in ClinVar:

ClinVar aggregate classification (germline): Benign (1 of 4 stars; one submission).

Allele frequency attached by ClinVar (database versions not stated): TOPMed 0.07774; 1000 Genomes Project 30x 0.10150; gnomAD 0.07290 and 0.07566; 1000 Genomes Project 0.10463.
gnomAD v4.1: 62,318 of 696,002 alleles (9%); highest among the groups gnomAD compares: East Asian, 24%; 3,505 homozygotes.

Submission:

GeneDx
Classification: Benign. Last evaluated: 2019-08-23. Review status: criteria provided, single submitter. Criteria: GeneDx Variant Classification Process June 2021. Collection method: clinical testing. Allele origin: germline. Affected: yes.
Comment: This variant is associated with the following publications: (PMID: 30886859)

NM_198569.3(ADGRG6):c.1222+90G>A

Gene: ADGRG6 (adhesion G protein-coupled receptor G6; plus strand). Cytogenetic location: 6q24.2.
Variant type: single nucleotide variant.
Coding change: c.1222+90G>A on transcript NM_198569.3 (MANE Select); 90 bases into the intron after coding-DNA position 1222, G replaced by A.
Molecular consequence: intron variant.
Genome position (GRCh38, 1-based): chr6:142,383,933, G>A. VCF-style: chr6-142383933-G-A. GRCh37 (hg19) VCF-style: chr6-142705070-G-A.
Other names: c.1222+90G>A (NM_020455.6); c.1138+1914G>A (NM_001032394.3, NM_001032395.3).
Identifiers: ClinVar variation 1256969 (VCV001256969.2), dbSNP rs41289839, ClinGen allele CA148999466.